The following is an entry in ClinVar:

NM_005911.6(MAT2A):c.488A>G (p.Lys163Arg)

Genes: GGCX (gamma-glutamyl carboxylase; minus strand), MAT2A (methionine adenosyltransferase 2A; plus strand). Cytogenetic location: 2p11.2.
Variant type: single nucleotide variant.
Coding change: c.488A>G on transcript NM_005911.6 (MANE Select); coding-DNA position 488, A replaced by G.
Protein change: p.Lys163Arg; replaces lysine 163 with arginine.
Molecular consequence: missense variant.
Genome position (GRCh38, 1-based): chr2:85,541,911, A>G. VCF-style: chr2-85541911-A-G. GRCh37 (hg19) VCF-style: chr2-85769034-A-G.
Other names: short protein forms K163R.
Identifiers: ClinVar variation 1743837 (VCV001743837.2), dbSNP rs891334425, ClinGen allele CA51725385.

ClinVar aggregate classification (germline): Uncertain significance (1 of 4 stars; one submission).

Conditions:
Cardiovascular phenotype. Identifiers: MedGen CN230736.

Allele frequency attached by ClinVar (database versions not stated): gnomAD 0.00001; TOPMed 0.00001.

Submission:

Ambry Genetics
Classification: Uncertain significance for Cardiovascular phenotype. Last evaluated: 2022-09-05. Review status: criteria provided, single submitter. Criteria: Ambry Variant Classification Scheme 2023. Collection method: clinical testing. Allele origin: germline.
Comment: The p.K163R variant (also known as c.488A>G), located in coding exon 5 of the MAT2A gene, results from an A to G substitution at nucleotide position 488. The lysine at codon 163 is replaced by arginine, an amino acid with highly similar properties. This amino acid position is conserved. In addition, this alteration is predicted to be tolerated by in silico analysis. Since supporting evidence is limited at this time, the clinical significance of this alteration remains unclear.